The following is an entry in ClinVar:

NM_198578.4(LRRK2):c.3334C>A (p.Leu1112Ile)

Gene: LRRK2 (leucine rich repeat kinase 2; plus strand). Cytogenetic location: 12q12.
Variant type: single nucleotide variant.
Coding change: c.3334C>A on transcript NM_198578.4 (MANE Select); coding-DNA position 3334, C replaced by A.
Protein change: p.Leu1112Ile; replaces leucine 1112 with isoleucine.
Molecular consequence: missense variant.
Genome position (GRCh38, 1-based): chr12:40,298,480, C>A. VCF-style: chr12-40298480-C-A. GRCh37 (hg19) VCF-style: chr12-40692282-C-A.
Other names: short protein forms L1112I.
Identifiers: ClinVar variation 3229606 (VCV003229606.1), dbSNP rs2499747315, ClinGen allele CA384415229.

ClinVar aggregate classification (germline): Uncertain significance (1 of 4 stars; one submission).

Conditions:
Inborn genetic diseases. Identifiers: MedGen C0950123, MeSH D030342.

Allele frequency attached by ClinVar (database versions not stated): gnomAD exomes below 0.00001.
gnomAD v4.1: 1 of 1,613,776 alleles (0.000062%); highest among the groups gnomAD compares: Non-Finnish European, 0.000085%; no homozygotes.

Submission:

Ambry Genetics
Classification: Uncertain significance for Inborn genetic diseases. Last evaluated: 2024-01-11. Review status: criteria provided, single submitter. Criteria: Ambry Variant Classification Scheme 2023. Collection method: clinical testing. Allele origin: germline.
Comment: The p.L1112I variant (also known as c.3334C>A), located in coding exon 24 of the LRRK2 gene, results from a C to A substitution at nucleotide position 3334. The leucine at codon 1112 is replaced by isoleucine, an amino acid with highly similar properties. This amino acid position is conserved. In addition, this alteration is predicted to be tolerated by in silico analysis. Since supporting evidence is limited at this time, the clinical significance of this alteration remains unclear.